The following is an entry in ClinVar:

NM_000171.4(GLRA1):c.340G>A (p.Asp114Asn)

Gene: GLRA1 (glycine receptor alpha 1; minus strand). Cytogenetic location: 5q33.1.
Variant type: single nucleotide variant.
Coding change: c.340G>A on transcript NM_000171.4 (MANE Select); coding-DNA position 340, G replaced by A.
Protein change: p.Asp114Asn; replaces aspartic acid 114 with asparagine.
Molecular consequence: missense variant.
Genome position (GRCh38, 1-based): chr5:151,859,921, C>T on the plus strand (G>A on the coding strand, the complement: GLRA1 is on the minus strand). VCF-style: chr5-151859921-C-T. GRCh37 (hg19) VCF-style: chr5-151239482-C-T.
Other names: c.340G>A, p.Asp114Asn (NM_001146040.2); c.91G>A, p.Asp31Asn (NM_001292000.2); short protein forms D114N, D31N.
Identifiers: ClinVar variation 3854308 (VCV003854308.2).

ClinVar aggregate classification (germline): Uncertain significance. Review status: criteria provided, multiple submitters, no conflicts (2 of 4 stars). 2 submissions from 2 submitters: Uncertain significance (2). Last evaluated 2026-03-21.

Conditions:
Inborn genetic diseases. Identifiers: MedGen C0950123, MeSH D030342.

gnomAD v4.1: 1 of 1,613,974 alleles (0.000062%); highest among the groups gnomAD compares: Non-Finnish European, 0.000085%; no homozygotes.

Submissions (2):

GeneDx
Classification: Uncertain significance. Last evaluated: 2026-03-21. Review status: criteria provided, single submitter. Criteria: GeneDx Variant Classification Process June 2021. Collection method: clinical testing. Allele origin: germline.
Comment: Not observed at significant frequency in large population cohorts (gnomAD); In silico analysis supports that this missense variant has a deleterious effect on protein structure/function; Has not been previously published as pathogenic or benign to our knowledge

Ambry Genetics
Classification: Uncertain significance for Inborn genetic diseases. Last evaluated: 2025-02-10. Review status: criteria provided, single submitter. Criteria: Ambry Variant Classification Scheme 2023. Collection method: clinical testing. Allele origin: germline.